The following is an entry in ClinVar:

NM_006269.2(RP1):c.155G>A (p.Arg52Lys)

Gene: RP1 (RP1 axonemal microtubule associated; plus strand). Cytogenetic location: 8q12.1.
Variant type: single nucleotide variant.
Coding change: c.155G>A on transcript NM_006269.2 (MANE Select); coding-DNA position 155, G replaced by A.
Protein change: p.Arg52Lys; replaces arginine 52 with lysine.
Molecular consequence: missense variant.
Genome position (GRCh38, 1-based): chr8:54,621,121, G>A. VCF-style: chr8-54621121-G-A. GRCh37 (hg19) VCF-style: chr8-55533681-G-A.
Other names: c.155G>A, p.Arg52Lys (NM_001375654.1); short protein forms R52K.
Identifiers: ClinVar variation 2112926 (VCV002112926.4), dbSNP rs2536555679, ClinGen allele CA370985721.

ClinVar aggregate classification (germline): Uncertain significance (1 of 4 stars; one submission).

Submission:

Labcorp Genetics (formerly Invitae), Labcorp
Classification: Uncertain significance. Last evaluated: 2022-03-16. Review status: criteria provided, single submitter. Criteria: Invitae Variant Classification Sherloc (09022015). Collection method: clinical testing. Allele origin: germline.
Comment: This sequence change replaces arginine, which is basic and polar, with lysine, which is basic and polar, at codon 52 of the RP1 protein (p.Arg52Lys). This variant is not present in population databases (gnomAD no frequency). This variant has not been reported in the literature in individuals affected with RP1-related conditions. Algorithms developed to predict the effect of missense changes on protein structure and function output the following: SIFT: "Tolerated"; PolyPhen-2: "Benign"; Align-GVGD: "Class C0". The lysine amino acid residue is found in multiple mammalian species, which suggests that this missense change does not adversely affect protein function. In summary, the available evidence is currently insufficient to determine the role of this variant in disease. Therefore, it has been classified as a Variant of Uncertain Significance.